The following is an entry in ClinVar:

NM_001080.3(ALDH5A1):c.71_76dup (p.Leu24_Arg25dup)

Genes: ALDH5A1 (aldehyde dehydrogenase 5 family member A1; plus strand), GPLD1 (glycosylphosphatidylinositol specific phospholipase D1; minus strand), LOC129995978 (ATAC-STARR-seq lymphoblastoid silent region 16989; plus strand). Cytogenetic location: 6p22.3.
Variant type: Duplication.
Coding change: c.71_76dup on transcript NM_001080.3 (MANE Select); coding-DNA positions 71 to 76, 6 bases duplicated (TCCGCC; older notation c.71_76dupTCCGCC).
Protein change: p.Leu24_Arg25dup.
Molecular consequence: inframe insertion.
Genome position (GRCh38, 1-based): chr6:24,495,067-24,495,072, TCCGCC duplicated; duplicating any 6 consecutive bases within chr6:24,495,062-24,495,072 gives the same sequence; the c. name uses the placement nearest the transcript's 3' end. VCF-style (leftmost placement, unchanged base first): chr6-24495061-G-GCCGCCT. GRCh37 (hg19) VCF-style: chr6-24495289-G-GCCGCCT.
Other names: c.71_76dup, p.Leu24_Arg25dup (NM_001368954.1, NM_170740.1).
Identifiers: ClinVar variation 1498289 (VCV001498289.6), dbSNP rs2127378831, ClinGen allele CA2573140178.

ClinVar aggregate classification (germline): Uncertain significance (1 of 4 stars; one submission).

Conditions:
Succinate-semialdehyde dehydrogenase deficiency (SSADHD). Also called: Succinic Semialdehyde Dehydrogenase Deficiency; SSADH DEFICIENCY; 4-HYDROXYBUTYRIC ACIDURIA; GABA METABOLIC DEFECT. Identifiers: Orphanet 22, MedGen C0268631, MONDO:0010083, OMIM 271980.

Submission:

Labcorp Genetics (formerly Invitae), Labcorp
Classification: Uncertain significance for Succinate-semialdehyde dehydrogenase deficiency. Last evaluated: 2022-08-15. Review status: criteria provided, single submitter. Criteria: Invitae Variant Classification Sherloc (09022015). Collection method: clinical testing. Allele origin: germline.
Comment: In summary, the available evidence is currently insufficient to determine the role of this variant in disease. Therefore, it has been classified as a Variant of Uncertain Significance. Experimental studies and prediction algorithms are not available or were not evaluated, and the functional significance of this variant is currently unknown. ClinVar contains an entry for this variant (Variation ID: 1498289). This variant has not been reported in the literature in individuals affected with ALDH5A1-related conditions. This variant is not present in population databases (gnomAD no frequency). This variant, c.71_76dup, results in the insertion of 2 amino acid(s) of the ALDH5A1 protein (p.Leu24_Arg25dup), but otherwise preserves the integrity of the reading frame.